The following is an entry in ClinVar:

ClinVar aggregate classification (germline): Uncertain significance (1 of 4 stars; one submission).

Conditions:
Epileptic encephalopathy. Identifiers: MedGen C0543888, HP:0200134.

Allele frequency attached by ClinVar (database versions not stated): ExAC 0.00018; gnomAD exomes 0.00018; gnomAD 0.00019 and 0.00026; TOPMed 0.00025.

Submission:

Labcorp Genetics (formerly Invitae), Labcorp
Classification: Uncertain significance for Epileptic encephalopathy. Last evaluated: 2026-01-19. Review status: criteria provided, single submitter. Criteria: Invitae Variant Classification Sherloc (09022015). Collection method: clinical testing. Allele origin: germline.
Comment: This sequence change replaces glutamic acid, which is acidic and polar, with lysine, which is basic and polar, at codon 543 of the FASN protein (p.Glu543Lys). This variant is present in population databases (rs202040392, gnomAD 0.03%). This variant has not been reported in the literature in individuals affected with FASN-related conditions. ClinVar contains an entry for this variant (Variation ID: 462009). An algorithm developed to predict the effect of missense changes on protein structure and function (PolyPhen-2) suggests that this variant is likely to be tolerated. In summary, the available evidence is currently insufficient to determine the role of this variant in disease. Therefore, it has been classified as a Variant of Uncertain Significance.

NM_004104.5(FASN):c.1627G>A (p.Glu543Lys)

Gene: FASN (fatty acid synthase; minus strand). Cytogenetic location: 17q25.3.
Variant type: single nucleotide variant.
Coding change: c.1627G>A on transcript NM_004104.5 (MANE Select); coding-DNA position 1627, G replaced by A.
Protein change: p.Glu543Lys; replaces glutamic acid 543 with lysine.
Molecular consequence: missense variant.
Genome position (GRCh38, 1-based): chr17:82,090,935, C>T on the plus strand (G>A on the coding strand, the complement: FASN is on the minus strand). VCF-style: chr17-82090935-C-T. GRCh37 (hg19) VCF-style: chr17-80048811-C-T.
Other names: short protein forms E543K.
Identifiers: ClinVar variation 462009 (VCV000462009.8), dbSNP rs202040392, ClinGen allele CA8853085.
Genomic context (GRCh38, chr17:82,090,935, plus strand): 5'-GCCCTACCTGGATGGCAGTCAGGCTCACAAACGAATGGACGATGTCATCAAAGGTGCTCT[C>T]GTCTGTGCTCAGCAGCAGCTGTGACACCTTCAGGCCGAATGGCTTCACAGCCTCATCGGA-3'
Protein context (NP_004095.4, residues 533-553): KVSQLLLSTD[Glu543Lys]STFDDIVHSF